The following is an entry in ClinVar:

ClinVar aggregate classification (germline): Pathogenic (1 of 4 stars; one submission).

Conditions:
Hereditary cancer-predisposing syndrome. Also called: Neoplastic Syndromes, Hereditary; Tumor predisposition; Hereditary Cancer Syndrome; Hereditary neoplastic syndrome. Identifiers: Orphanet 140162, MedGen C0027672, MeSH D009386, MONDO:0015356.

Submission:

Ambry Genetics
Classification: Pathogenic for Hereditary cancer-predisposing syndrome. Last evaluated: 2022-03-09. Review status: criteria provided, single submitter. Criteria: Ambry Variant Classification Scheme 2023. Collection method: clinical testing. Allele origin: germline.
Comment: The c.3710_3711delTC pathogenic mutation, located in coding exon 20 of the DICER1 gene, results from a deletion of two nucleotides at nucleotide positions 3710 to 3711, causing a translational frameshift with a predicted alternate stop codon (p.L1237Pfs*3). This variant is considered to be rare based on population cohorts in the Genome Aggregation Database (gnomAD). This alteration is expected to result in loss of function by premature protein truncation or nonsense-mediated mRNA decay. As such, this alteration is interpreted as a disease-causing mutation.

NM_177438.3(DICER1):c.3710_3711del (p.Leu1237fs)

Gene: DICER1 (dicer 1, ribonuclease III; minus strand). Cytogenetic location: 14q32.13.
Variant type: Microsatellite.
Coding change: c.3710_3711del on transcript NM_177438.3 (MANE Select); coding-DNA positions 3710 to 3711, 2 bases deleted (TC; older notation c.3710_3711delTC).
Protein change: p.Leu1237fs; shifts the reading frame from leucine 1237.
Molecular consequence: frameshift variant. On other transcripts: non-coding transcript variant (6).
Genome position (GRCh38, 1-based): chr14:95,103,685-95,103,686, GA deleted on the plus strand (TC on the coding strand, the reverse complement: DICER1 is on the minus strand); deleting any 2 consecutive bases within chr14:95,103,685-95,103,689 gives the same sequence; the c. name uses the placement nearest the transcript's 3' end. VCF-style (leftmost placement, unchanged base first): chr14-95103684-GGA-G. GRCh37 (hg19) VCF-style: chr14-95570021-GGA-G.
Other names: c.3710_3711del, p.Leu1237fs (NM_001195573.1, NM_001271282.3, NM_001291628.2 and 12 more transcripts); c.3707_3708CT[1], p.Leu1237Profs (NM_001395681.1, NM_177438.2); c.3428_3429del, p.Leu1143fs (NM_001395686.1); c.3305_3306del, p.Leu1102fs (NM_001395687.1, NM_001395688.1, NM_001395689.1 and 2 more transcripts); c.3143_3144del, p.Leu1048fs (NM_001395691.1); c.2027_2028del, p.Leu676fs (NM_001395697.1); c.3710_3711delTC (NM_177438.2); short protein forms L1048fs, L1102fs, L1143fs, L676fs, L1237fs.
Identifiers: ClinVar variation 1734194 (VCV001734194.2), dbSNP rs2542701336, ClinGen allele CA2580612817.
Genomic context (GRCh38, chr14:95,103,684, plus strand): 5'-TCACAGGACTTCCATCTGAGGTAGATTTGTTAGCATTTCCATCAAGGTATTTATTACTCA[GGA>G]GAGTACATTCATCGCTGGGCTGGGGCTGGTTCTCGTAACTGTATAAATTCTGAATGGAAT-3'